The following is an entry in ClinVar:

ClinVar aggregate classification (germline): Conflicting classifications of pathogenicity. Review status: criteria provided, conflicting classifications (1 of 4 stars). 2 submissions from 2 submitters: Uncertain significance (1); Benign (1). Last evaluated 2024-10-24.

Conditions:
Intellectual developmental disorder with microcephaly and with or without ocular malformations or hypogonadotropic hypogonadism. Also called: Coffin-Siris Syndrome 9; Intellectual disability, autosomal dominant 27. Identifiers: Orphanet 1465, MedGen C4014528, MONDO:0014376, OMIM 615866.

Allele frequency attached by ClinVar (database versions not stated): ExAC 0.00002; TOPMed 0.00002.

Submissions (2):

Labcorp Genetics (formerly Invitae), Labcorp
Classification: Benign. Last evaluated: 2024-10-24. Review status: criteria provided, single submitter. Criteria: Invitae Variant Classification Sherloc (09022015). Collection method: clinical testing. Allele origin: germline.

Laboratorio de Genetica e Diagnostico Molecular, Hospital Israelita Albert Einstein
Classification: Uncertain significance for Intellectual developmental disorder with microcephaly and with or without ocular malformations or hypogonadotropic hypogonadism. Last evaluated: 2024-04-19. Review status: criteria provided, single submitter. Criteria: ACMG Guidelines, 2015. Collection method: clinical testing. Allele origin: germline. Affected: yes.
Comment: ACMG classification criteria: PM2 supporting, BP4 supporting

NM_003108.4(SOX11):c.593A>G (p.Tyr198Cys)

Gene: SOX11 (SRY-box transcription factor 11; plus strand). Cytogenetic location: 2p25.2.
Variant type: single nucleotide variant.
Coding change: c.593A>G on transcript NM_003108.4 (MANE Select); coding-DNA position 593, A replaced by G.
Protein change: p.Tyr198Cys; replaces tyrosine 198 with cysteine.
Molecular consequence: missense variant.
Genome position (GRCh38, 1-based): chr2:5,693,314, A>G. VCF-style: chr2-5693314-A-G. GRCh37 (hg19) VCF-style: chr2-5833446-A-G.
Other names: short protein forms Y198C.
Identifiers: ClinVar variation 1899186 (VCV001899186.6), dbSNP rs766041973, ClinGen allele CA1517863.